The following is an entry in ClinVar:

ClinVar aggregate classification (germline): Likely pathogenic (1 of 4 stars; one submission).

Conditions:
Pigmentary pallidal degeneration (NBIA1). Also called: Neurodegeneration with brain iron accumulation 1; HARP SYNDROME; PKAN NEUROAXONAL DYSTROPHY, JUVENILE-ONSET; Pantothenate Kinase-Associated Neurodegeneration; Neuroaxonal dystrophy, late infantile; Hallervorden-Spatz disease. Identifiers: Orphanet 157850, MedGen C0018523, MONDO:0009319, OMIM 234200.

Allele frequency attached by ClinVar (database versions not stated): TOPMed below 0.00001.

Submission:

Labcorp Genetics (formerly Invitae), Labcorp
Classification: Likely pathogenic for Pigmentary pallidal degeneration. Last evaluated: 2023-12-25. Review status: criteria provided, single submitter. Criteria: Invitae Variant Classification Sherloc (09022015). Collection method: clinical testing. Allele origin: germline.
Comment: This sequence change replaces glutamic acid, which is acidic and polar, with lysine, which is basic and polar, at codon 554 of the PANK2 protein (p.Glu554Lys). This variant is not present in population databases (gnomAD no frequency). This missense change has been observed in individual(s) with neurodegeneration with brain iron accumulation (PMID: 28113101, 32705819). An algorithm developed to predict the effect of missense changes on protein structure and function (PolyPhen-2) suggests that this variant is likely to be disruptive. In summary, the currently available evidence indicates that the variant is pathogenic, but additional data are needed to prove that conclusively. Therefore, this variant has been classified as Likely Pathogenic.

Literature cited by the submitters: PubMed 28113101; PubMed 32705819.

NM_001386393.1(PANK2):c.1330G>A (p.Glu444Lys)

Gene: PANK2 (pantothenate kinase 2; plus strand). Cytogenetic location: 20p13.
Variant type: single nucleotide variant.
Coding change: c.1330G>A on transcript NM_001386393.1 (MANE Select); coding-DNA position 1330, G replaced by A.
Protein change: p.Glu444Lys; replaces glutamic acid 444 with lysine.
Molecular consequence: missense variant. On other transcripts: non-coding transcript variant (1).
Genome position (GRCh38, 1-based): chr20:3,918,794, G>A. VCF-style: chr20-3918794-G-A. GRCh37 (hg19) VCF-style: chr20-3899441-G-A.
Other names: c.787G>A, p.Glu263Lys (NM_001324191.2, NM_024960.6, NM_153640.4); c.352G>A, p.Glu118Lys (NM_001324193.2); c.1660G>A, p.Glu554Lys (NM_153638.4); short protein forms E263K, E444K, E118K, E554K.
Identifiers: ClinVar variation 2736947 (VCV002736947.3), dbSNP rs1328306876, ClinGen allele CA408120898.